The following is an entry in ClinVar:

ClinVar aggregate classification (germline): Uncertain significance (1 of 4 stars; one submission).

Submission:

Ambry Genetics
Classification: Uncertain significance. Last evaluated: 2025-06-07. Review status: criteria provided, single submitter. Criteria: Ambry Variant Classification Scheme 2023. Collection method: clinical testing. Allele origin: germline.
Comment: The p.M1134L variant (also known as c.3400A>C), located in coding exon 13 of the CDK12 gene, results from an A to C substitution at nucleotide position 3400. The methionine at codon 1134 is replaced by leucine, an amino acid with highly similar properties. This amino acid position is conserved. In addition, this alteration is predicted to be tolerated by in silico analysis. Based on the available evidence, the clinical significance of this variant remains unclear.

NM_016507.4(CDK12):c.3400A>C (p.Met1134Leu)

Gene: CDK12 (cyclin dependent kinase 12; plus strand). Cytogenetic location: 17q12.
Variant type: single nucleotide variant.
Coding change: c.3400A>C on transcript NM_016507.4 (MANE Select); coding-DNA position 3400, A replaced by C.
Protein change: p.Met1134Leu; replaces methionine 1134 with leucine.
Molecular consequence: missense variant.
Genome position (GRCh38, 1-based): chr17:39,525,956, A>C. VCF-style: chr17-39525956-A-C. GRCh37 (hg19) VCF-style: chr17-37682209-A-C.
Other names: c.3400A>C, p.Met1134Leu (NM_015083.4); short protein forms M1134L.
Identifiers: ClinVar variation 3999540 (VCV003999540.1).